The following is an entry in ClinVar:

ClinVar aggregate classification (germline): Likely benign (1 of 4 stars; one submission).

gnomAD v4.1: 3 of 1,612,402 alleles (0.00019%); highest among the groups gnomAD compares: Admixed American, 0.0033%; no homozygotes.

Submission:

CeGaT Center for Human Genetics Tuebingen
Classification: Likely benign. Last evaluated: 2025-08-01. Review status: criteria provided, single submitter. Criteria: CeGaT Center For Human Genetics Tuebingen Variant Classification Criteria Version 2. Collection method: clinical testing. Allele origin: germline. Affected: yes. Observed: 1 variant allele.
Comment: OMG: BP4, BP7

NM_002544.5(OMG):c.228A>G (p.Gln76=)

Genes: NF1 (neurofibromin 1; plus strand), OMG (oligodendrocyte myelin glycoprotein; minus strand). Cytogenetic location: 17q11.2.
Variant type: single nucleotide variant.
Coding change: c.228A>G on transcript NM_002544.5 (MANE Select); coding-DNA position 228, A replaced by G.
Protein change: p.Gln76=; no amino-acid change (glutamine 76 retained).
Molecular consequence: synonymous variant. On other transcripts: intron variant (2).
Genome position (GRCh38, 1-based): chr17:31,296,104, T>C on the plus strand (A>G on the coding strand, the complement: OMG is on the minus strand). VCF-style: chr17-31296104-T-C. GRCh37 (hg19) VCF-style: chr17-29623122-T-C.
Other names: c.4836-29716T>C (NM_001042492.3); c.4773-29716T>C (NM_000267.4).
Identifiers: ClinVar variation 4085774 (VCV004085774.8).